The following is an entry in ClinVar:

ClinVar aggregate classification (germline): Uncertain significance (1 of 4 stars; one submission).

Allele frequency attached by ClinVar (database versions not stated): ExAC 0.00002.
gnomAD v4.1: 13 of 1,612,278 alleles (0.00081%); highest among the groups gnomAD compares: Admixed American, 0.0017%; no homozygotes.

Submission:

Labcorp Genetics (formerly Invitae), Labcorp
Classification: Uncertain significance. Last evaluated: 2023-09-21. Review status: criteria provided, single submitter. Criteria: Invitae Variant Classification Sherloc (09022015). Collection method: clinical testing. Allele origin: germline.
Comment: Advanced modeling of protein sequence and biophysical properties (such as structural, functional, and spatial information, amino acid conservation, physicochemical variation, residue mobility, and thermodynamic stability) performed at Invitae indicates that this missense variant is not expected to disrupt CHD8 protein function. ClinVar contains an entry for this variant (Variation ID: 1961749). This variant has not been reported in the literature in individuals affected with CHD8-related conditions. This variant is present in population databases (rs747391704, gnomAD 0.003%). This sequence change replaces threonine, which is neutral and polar, with methionine, which is neutral and non-polar, at codon 1812 of the CHD8 protein (p.Thr1812Met). In summary, the available evidence is currently insufficient to determine the role of this variant in disease. Therefore, it has been classified as a Variant of Uncertain Significance.

NM_001170629.2(CHD8):c.5435C>T (p.Thr1812Met)

Gene: CHD8 (chromodomain helicase DNA binding protein 8; minus strand). Cytogenetic location: 14q11.2.
Variant type: single nucleotide variant.
Coding change: c.5435C>T on transcript NM_001170629.2 (MANE Select); coding-DNA position 5435, C replaced by T.
Protein change: p.Thr1812Met; replaces threonine 1812 with methionine.
Molecular consequence: missense variant.
Genome position (GRCh38, 1-based): chr14:21,394,441, G>A on the plus strand (C>T on the coding strand, the complement: CHD8 is on the minus strand). VCF-style: chr14-21394441-G-A. GRCh37 (hg19) VCF-style: chr14-21862600-G-A.
Other names: c.4598C>T, p.Thr1533Met (NM_020920.4); short protein forms T1812M, T1533M.
Identifiers: ClinVar variation 1961749 (VCV001961749.5), dbSNP rs747391704, ClinGen allele CA7090953.